The following is an entry in ClinVar:

NM_003722.5(TP63):c.1693T>G (p.Phe565Val)

Gene: TP63 (tumor protein p63; plus strand). Cytogenetic location: 3q28.
Variant type: single nucleotide variant.
Coding change: c.1693T>G on transcript NM_003722.5 (MANE Select); coding-DNA position 1693, T replaced by G.
Protein change: p.Phe565Val; replaces phenylalanine 565 with valine.
Molecular consequence: missense variant. On other transcripts: intron variant (6).
Genome position (GRCh38, 1-based): chr3:189,890,829, T>G. VCF-style: chr3-189890829-T-G. GRCh37 (hg19) VCF-style: chr3-189608618-T-G.
Other names: c.1411T>G, p.Phe471Val (NM_001114980.2); c.1156T>G, p.Phe386Val (NM_001329146.2); c.1681T>G, p.Phe561Val (NM_001329148.2); c.1687T>G, p.Phe563Val (NM_001329964.2); c.1652+1345T>G (NM_001114978.2); c.1508-3377T>G (NM_001329144.2); c.1370+1345T>G (NM_001114981.2); c.1226-3377T>G (NM_001329145.2); and 2 more; short protein forms F561V, F386V, F471V, F565V, F563V.
Identifiers: ClinVar variation 650415 (VCV000650415.1), dbSNP rs1577206350, ClinGen allele CA355759033.
Genomic context (GRCh38, chr3:189,890,829, plus strand): 5'-CTTCCCTCCTCCCTCTGCAGTTTCTTAGCGAGGTTGGGCTGTTCATCATGTCTGGACTAT[T>G]TCACGACCCAGGGGCTGACCACCATCTATCAGATTGAGCATTACTCCATGGATGTAAGTA-3'
Protein context (NP_003713.3, residues 555-575): RLGCSSCLDY[Phe565Val]TTQGLTTIYQ

ClinVar aggregate classification (germline): Pathogenic (1 of 4 stars; one submission).

Conditions:
TP63-Related Spectrum Disorders.

Submission:

Labcorp Genetics (formerly Invitae), Labcorp
Classification: Pathogenic for TP63-Related Spectrum Disorders. Last evaluated: 2018-10-30. Review status: criteria provided, single submitter. Criteria: Invitae Variant Classification Sherloc (09022015). Collection method: clinical testing. Allele origin: germline.
Comment: This sequence change replaces phenylalanine with valine at codon 565 of the TP63 protein (p.Phe565Val). The phenylalanine residue is highly conserved and there is a small physicochemical difference between phenylalanine and valine. This variant is not present in population databases (ExAC no frequency). Algorithms developed to predict the effect of missense changes on protein structure and function are either unavailable or do not agree on the potential impact of this missense change (SIFT: "Deleterious"; PolyPhen-2: "Probably Damaging"; Align-GVGD: "Class C0"). For these reasons, this variant has been classified as Pathogenic.